The following is an entry in ClinVar:

ClinVar aggregate classification (germline): Conflicting classifications of pathogenicity. Review status: criteria provided, conflicting classifications (1 of 4 stars). 6 submissions from 6 submitters: Pathogenic (1); Likely pathogenic (3); Uncertain significance (1). 1 of the submissions does not count toward it. Last evaluated 2025-09-03.

Conditions:
PKD1-related disorder. Also called: PKD1-related condition.
Polycystic kidney disease. Also called: Kidney, Polycystic; Polycystic kidney dysplasia. Identifiers: MedGen C0022680, MeSH D007690, MONDO:0020642, HP:0000113.
Autosomal dominant polycystic kidney disease. Identifiers: Orphanet 730, MedGen C0085413, MONDO:0004691.
Polycystic kidney disease, adult type (PKD1). Also called: POLYCYSTIC KIDNEY DISEASE, ADULT, TYPE I; Polycystic Kidney Disease 1, Autosomal Dominant; Polycystic kidney disease 1; Polycystic kidney disease 1, severe; Polycystic Kidney, Autosomal Dominant; POLYCYSTIC KIDNEY DISEASE 1 WITH OR WITHOUT POLYCYSTIC LIVER DISEASE. Identifiers: MedGen C3149841, MONDO:0008263, OMIM 173900.

Submissions (6):

Women's Health and Genetics/Laboratory Corporation of America, LabCorp
Classification: Pathogenic for Polycystic kidney disease, adult type. Last evaluated: 2025-09-03. Review status: criteria provided, single submitter. Criteria: LabCorp Variant Classification Summary - May 2015. Collection method: clinical testing. Allele origin: germline.
Comment: Variant summary: PKD1 c.12391_12393delGAG (p.Glu4131del) results in an in-frame deletion that is predicted to remove one amino acid from the encoded protein. The variant was absent in 245508 control chromosomes. c.12391_12393delGAG has been observed in multiple individuals and families affected with Autosomal Dominant Polycystic Kidney Disease 1 (examples: Hwang_2016, Yu_2022, Bullich_2018, Mallawaarachchi_2021). These data indicate that the variant is very likely to be associated with disease. The following publications have been ascertained in the context of this evaluation (PMID: 29801666, 26453610, 33437033, 35778421). ClinVar contains an entry for this variant (Variation ID: 434007). Based on the evidence outlined above, the variant was classified as pathogenic.

GeneDx
Classification: Likely pathogenic. Last evaluated: 2023-05-08. Review status: criteria provided, single submitter. Criteria: GeneDx Variant Classification Process June 2021. Collection method: clinical testing. Allele origin: germline. Affected: yes.
Comment: In-frame deletion of 1 amino acid in a non-repeat region; Not observed in large population cohorts (gnomAD); In silico analysis supports a deleterious effect on protein structure/function; This variant is associated with the following publications: (PMID: 26453610, 33437033)

Blueprint Genetics
Classification: Likely pathogenic for PKD1-related disorders. Last evaluated: 2019-05-06. Review status: criteria provided, single submitter. Criteria: ACMG Guidelines, 2015. Collection method: clinical testing. Allele origin: germline. Affected: yes. Observed: 1 variant allele.

Athena Diagnostics
Classification: Uncertain significance. Last evaluated: 2019-03-25. Review status: criteria provided, single submitter. Criteria: Athena Diagnostics Criteria. Collection method: clinical testing. Allele origin: germline.

Molecular Genetics of Inherited Kidney Disorders Laboratory, Garvan Institute of Medical Research
Classification: Likely pathogenic for Autosomal dominant polycystic kidney disease. Last evaluated: 2019-01-01. Review status: criteria provided, single submitter. Criteria: ACMG Guidelines, 2015. Collection method: research. Allele origin: germline. Affected: yes.

Department of Pathology and Laboratory Medicine, Sinai Health System
Classification: Likely pathogenic for Polycystic Kidney disease. Review status: no assertion criteria provided. Collection method: clinical testing. Allele origin: unknown. Affected: yes. Study: The Canadian Open Genetics Repository (COGR). Not counted in ClinVar's aggregate classification.
Comment: The PKD1 p.Glu4131del variant was identified in the literature in 1 of 440 proband chromosomes (freq. 0.002) in a study determining the genotype-phenotype relationship of ADPKD variants; control chromosomes were not tested (Hwang 2016). The same study reported that this variant segregated in 5 or more disease-informative family members (positive and affected, or negative, unaffected, and over 40 years of age). The variant was also identified in ClinVar (our laboratory was the only submitter) and ADPKD Mutation Database (classified as likely pathogenic). The variant was not identified in dbSNP, LOVD 3.0, PKD1-LOVD, the Exome Aggregation Consortium (August 8th 2016) or the Genome Aggregation Database (Feb 27, 2017). This variant is an in-frame deletion resulting in the removal of a Glutamic acid (Glu) residue at codon 4131; the impact of this alteration on PKD1 protein function is not known. The variant occurs outside of the splicing consensus sequence and 3 of 4 in silico or computational prediction software programs (SpliceSiteFinder, MaxEntScan, NNSPLICE, GeneSplicer) predict a greater than 10% difference in splicing; this is not very predictive of pathogenicity. In summary, based on the above information, the clinical significance of this variant cannot be determined with certainty at this time, although we would lean towards a more pathogenic role for this variant. This variant is classified as likely pathogenic.

Literature cited by the submitters: PubMed 29801666 (cited by Women's Health and Genetics/Laboratory Corporation of America, LabCorp); PubMed 33437033 (cited by Women's Health and Genetics/Laboratory Corporation of America, LabCorp); PubMed 35778421 (cited by Women's Health and Genetics/Laboratory Corporation of America, LabCorp); PubMed 26453610 (cited by Women's Health and Genetics/Laboratory Corporation of America, LabCorp and Athena Diagnostics).

NM_001009944.3(PKD1):c.12391_12393del (p.Glu4131del)

Gene: PKD1 (polycystin 1, transient receptor potential channel interacting; minus strand). Cytogenetic location: 16p13.3.
Variant type: Deletion.
Coding change: c.12391_12393del on transcript NM_001009944.3 (MANE Select); coding-DNA positions 12391 to 12393, 3 bases deleted (GAG; older notation c.12391_12393delGAG).
Protein change: p.Glu4131del; deletes glutamic acid 4131.
Molecular consequence: inframe deletion.
Genome position (GRCh38, 1-based): chr16:2,090,336-2,090,338, CTC deleted on the plus strand (GAG on the coding strand, the reverse complement: PKD1 is on the minus strand); deleting any 3 consecutive bases within chr16:2,090,336-2,090,339 gives the same sequence; the c. name uses the placement nearest the transcript's 3' end. VCF-style (leftmost placement, unchanged base first): chr16-2090335-ACTC-A. GRCh37 (hg19) VCF-style: chr16-2140336-ACTC-A.
Other names: c.12388_12390del, p.Glu4130del (NM_000296.4); c.12391_12393delGAG (NM_001009944.3); c.12391_12393del (NM_001009944.2); short protein forms E4131del, E4130del.
Identifiers: ClinVar variation 434007 (VCV000434007.8), dbSNP rs1555444468, ClinGen allele CA645373028.
Genomic context (GRCh38, chr16:2,090,335, plus strand): 5'-CCGTACCCACCTCCTTGACCTTGCTGAGGCCCATCCAGAGGCGCAGCCTGCGCAGGAACA[ACTC>A]CACCATCTCGTAGTCCTGGGGCTCCCAGGCCGGCCGGTACAGCTCTCCACGCAAGGCGTG-3'